The following is an entry in ClinVar:

ClinVar aggregate classification (germline): Uncertain significance. Review status: criteria provided, multiple submitters, no conflicts (2 of 4 stars). 2 submissions from 2 submitters: Uncertain significance (2). Last evaluated 2023-08-15.

Conditions:
Inborn genetic diseases. Identifiers: MedGen C0950123, MeSH D030342.

Allele frequency attached by ClinVar (database versions not stated): ExAC 0.00001; gnomAD exomes 0.00001; TOPMed 0.00001.

Submissions (2):

Ambry Genetics
Classification: Uncertain significance for Inborn genetic diseases. Last evaluated: 2023-08-15. Review status: criteria provided, single submitter. Criteria: Ambry Variant Classification Scheme 2023. Collection method: clinical testing. Allele origin: germline.

Labcorp Genetics (formerly Invitae), Labcorp
Classification: Uncertain significance. Last evaluated: 2022-05-09. Review status: criteria provided, single submitter. Criteria: Invitae Variant Classification Sherloc (09022015). Collection method: clinical testing. Allele origin: germline.
Comment: This sequence change replaces proline, which is neutral and non-polar, with serine, which is neutral and polar, at codon 1150 of the KMT2B protein (p.Pro1150Ser). This variant is present in population databases (rs753527694, gnomAD 0.003%). This variant has not been reported in the literature in individuals affected with KMT2B-related conditions. Algorithms developed to predict the effect of missense changes on protein structure and function output the following: SIFT: "Deleterious"; PolyPhen-2: "Not Available"; Align-GVGD: "Class C0". The serine amino acid residue is found in multiple mammalian species, which suggests that this missense change does not adversely affect protein function. In summary, the available evidence is currently insufficient to determine the role of this variant in disease. Therefore, it has been classified as a Variant of Uncertain Significance.

NM_014727.3(KMT2B):c.3448C>T (p.Pro1150Ser)

Gene: KMT2B (lysine methyltransferase 2B; plus strand). Cytogenetic location: 19q13.12.
Variant type: single nucleotide variant.
Coding change: c.3448C>T on transcript NM_014727.3 (MANE Select); coding-DNA position 3448, C replaced by T.
Protein change: p.Pro1150Ser; replaces proline 1150 with serine.
Molecular consequence: missense variant.
Genome position (GRCh38, 1-based): chr19:35,725,007, C>T. VCF-style: chr19-35725007-C-T. GRCh37 (hg19) VCF-style: chr19-36215908-C-T.
Other names: c.3448C>T (NM_014727.1); short protein forms P1150S.
Identifiers: ClinVar variation 1979495 (VCV001979495.6), dbSNP rs753527694, ClinGen allele CA9384762.